The following is an entry in ClinVar:

NM_000465.4(BARD1):c.123C>A (p.Leu41=)

Gene: BARD1 (BRCA1 associated RING domain 1; minus strand). Cytogenetic location: 2q35.
Variant type: single nucleotide variant.
Coding change: c.123C>A on transcript NM_000465.4 (MANE Select); coding-DNA position 123, C replaced by A.
Protein change: p.Leu41=; no amino-acid change (leucine 41 retained).
Molecular consequence: synonymous variant. On other transcripts: non-coding transcript variant (3).
Genome position (GRCh38, 1-based): chr2:214,809,447, G>T on the plus strand (C>A on the coding strand, the complement: BARD1 is on the minus strand). VCF-style: chr2-214809447-G-T. GRCh37 (hg19) VCF-style: chr2-215674171-G-T.
Other names: c.123C>A, p.Leu41= (NM_001282543.2, NM_001282545.2, NM_001282548.2 and 1 more transcripts).
Identifiers: ClinVar variation 896388 (VCV000896388.15), dbSNP rs764410072, ClinGen allele CA2090513.

ClinVar aggregate classification (germline): Conflicting classifications of pathogenicity. Review status: criteria provided, conflicting classifications (1 of 4 stars). 3 submissions from 3 submitters: Uncertain significance (1); Benign (1); Likely benign (1). Last evaluated 2024-07-18.

Conditions:
Familial cancer of breast. Also called: BREAST CANCER, FAMILIAL; Hereditary breast cancer; hereditary breast carcinoma. Identifiers: Orphanet 227535, MedGen C0346153, MONDO:0016419, OMIM 114480. Disease mechanism: loss of function.

Allele frequency attached by ClinVar (database versions not stated): gnomAD exomes 0.00001; ExAC 0.00002.
gnomAD v4.1: 5 of 1,611,740 alleles (0.00031%); highest among the groups gnomAD compares: Non-Finnish European, 0.00042%; no homozygotes.

Submissions (3):

Myriad Genetics, Inc.
Classification: Benign for Familial cancer of breast. Last evaluated: 2024-07-18. Review status: criteria provided, single submitter. Criteria: Myriad Autosomal Dominant, Autosomal Recessive and X-Linked Classification Criteria (2023). Collection method: clinical testing. Allele origin: unknown.
Comment: This variant is considered benign. This variant is a silent/synonymous amino acid change and it is not expected to impact splicing.

Labcorp Genetics (formerly Invitae), Labcorp
Classification: Likely benign for Familial cancer of breast. Last evaluated: 2023-08-30. Review status: criteria provided, single submitter. Criteria: Invitae Variant Classification Sherloc (09022015). Collection method: clinical testing. Allele origin: germline.

Illumina Laboratory Services, Illumina
Classification: Uncertain significance for Familial cancer of breast. Last evaluated: 2018-01-12. Review status: criteria provided, single submitter. Criteria: ICSL Variant Classification Criteria 13 December 2019. Collection method: clinical testing. Allele origin: germline.